The following is an entry in ClinVar:

NM_018706.7(DHTKD1):c.2440T>G (p.Tyr814Asp)

Gene: DHTKD1 (dehydrogenase E1 and transketolase domain containing 1; plus strand). Cytogenetic location: 10p14.
Variant type: single nucleotide variant.
Coding change: c.2440T>G on transcript NM_018706.7 (MANE Select); coding-DNA position 2440, T replaced by G.
Protein change: p.Tyr814Asp; replaces tyrosine 814 with aspartic acid.
Molecular consequence: missense variant.
Genome position (GRCh38, 1-based): chr10:12,118,786, T>G. VCF-style: chr10-12118786-T-G. GRCh37 (hg19) VCF-style: chr10-12160785-T-G.
Other names: short protein forms Y814D.
Identifiers: ClinVar variation 3625194 (VCV003625194.2).

ClinVar aggregate classification (germline): Uncertain significance (1 of 4 stars; one submission).

Conditions:
2-aminoadipic 2-oxoadipic aciduria (AAKAD). Also called: Aminoadipic aciduria; ALPHA-AMINOADIPIC AND ALPHA-KETOADIPIC ACIDURIA. Identifiers: Orphanet 79154, MedGen C1859817, MONDO:0008774, OMIM 204750.

gnomAD v4.1: 2 of 1,603,840 alleles (0.00012%); highest among the groups gnomAD compares: African/African-American, 0.0013%; no homozygotes.

Submission:

Labcorp Genetics (formerly Invitae), Labcorp
Classification: Uncertain significance for 2-aminoadipic 2-oxoadipic aciduria. Last evaluated: 2024-10-30. Review status: criteria provided, single submitter. Criteria: Invitae Variant Classification Sherloc (09022015). Collection method: clinical testing. Allele origin: germline.
Comment: This sequence change replaces tyrosine, which is neutral and polar, with aspartic acid, which is acidic and polar, at codon 814 of the DHTKD1 protein (p.Tyr814Asp). This variant is not present in population databases (gnomAD no frequency). This variant has not been reported in the literature in individuals affected with DHTKD1-related conditions. Invitae Evidence Modeling of protein sequence and biophysical properties (such as structural, functional, and spatial information, amino acid conservation, physicochemical variation, residue mobility, and thermodynamic stability) indicates that this missense variant is expected to disrupt DHTKD1 protein function with a positive predictive value of 80%. In summary, the available evidence is currently insufficient to determine the role of this variant in disease. Therefore, it has been classified as a Variant of Uncertain Significance.